The following is an entry in ClinVar:

ClinVar aggregate classification (germline): Benign (1 of 4 stars; one submission).

Conditions:
Tuberous sclerosis 2 (TSC2). Identifiers: Orphanet 805, MedGen C1860707, MONDO:0013199, OMIM 613254.

Submission:

Myriad Genetics, Inc.
Classification: Benign for Tuberous sclerosis 2. Last evaluated: 2025-06-06. Review status: criteria provided, single submitter. Criteria: Myriad Autosomal Dominant, Autosomal Recessive and X-Linked Classification Criteria (2023). Collection method: clinical testing. Allele origin: unknown.
Comment: This variant is considered benign. This variant is a silent/synonymous amino acid change and it is not expected to impact splicing.

NM_000548.5(TSC2):c.5298T>G (p.Pro1766=)

Gene: TSC2 (TSC complex subunit 2; plus strand). Cytogenetic location: 16p13.3.
Variant type: single nucleotide variant.
Coding change: c.5298T>G on transcript NM_000548.5 (MANE Select); coding-DNA position 5298, T replaced by G.
Protein change: p.Pro1766=; no amino-acid change (proline 1766 retained).
Molecular consequence: synonymous variant. On other transcripts: non-coding transcript variant (5).
Genome position (GRCh38, 1-based): chr16:2,088,484, T>G. VCF-style: chr16-2088484-T-G. GRCh37 (hg19) VCF-style: chr16-2138485-T-G.
Other names: c.5097T>G, p.Pro1699= (NM_001077183.3); c.5229T>G, p.Pro1743= (NM_001114382.3); c.4989T>G, p.Pro1663= (NM_001318827.2); c.4953T>G, p.Pro1651= (NM_001318829.2); c.4566T>G, p.Pro1522= (NM_001318831.2); c.5130T>G, p.Pro1710= (NM_001318832.2); c.5100T>G, p.Pro1700= (NM_001363528.2); c.5166T>G, p.Pro1722= (NM_001370404.1); and 27 more.
Identifiers: ClinVar variation 4071331 (VCV004071331.1).
Genomic context (GRCh38, chr16:2,088,484, plus strand): 5'-CCCAAGCCGCCTCTGCCTTCAGATCTGCGAGGAAGCCGCCTACTCCAACCCCAGCCTACC[T>G]CTGGTGCACCCTCCGTCCCATAGCAAAGCCCCTGCACAGACTCCAGCCGAGCCCACACCT-3'
Protein context (NP_000539.2, residues 1756-1776): EEAAYSNPSL[Pro1766=]LVHPPSHSKA